The following is an entry in ClinVar:

NM_000540.3(RYR1):c.9791_9792del (p.Thr3264fs)

Gene: RYR1 (ryanodine receptor 1; plus strand). Cytogenetic location: 19q13.2.
Variant type: Microsatellite.
Coding change: c.9791_9792del on transcript NM_000540.3 (MANE Select); coding-DNA positions 9791 to 9792, 2 bases deleted (CA; older notation c.9791_9792delCA).
Protein change: p.Thr3264fs; shifts the reading frame from threonine 3264.
Molecular consequence: frameshift variant.
Genome position (GRCh38, 1-based): chr19:38,517,464-38,517,465, CA deleted; deleting any 2 consecutive bases within chr19:38,517,461-38,517,465 gives the same sequence; the c. name uses the placement nearest the transcript's 3' end. VCF-style (leftmost placement, unchanged base first): chr19-38517460-TAC-T. GRCh37 (hg19) VCF-style: chr19-39008100-TAC-T.
Other names: c.9791_9792del, p.Thr3264fs (NM_001042723.2); short protein forms T3264fs.
Identifiers: ClinVar variation 3641848 (VCV003641848.2).
Genomic context (GRCh38, chr19:38,517,460, plus strand): 5'-ATCCCGGTGCTGGAGCGGCTCATGGCAGACATTGGGGGGCTGGCCGAGTCAGGTGCCCGC[TAC>T]ACAGAGATGCCGCATGTCATCGAGATCACGCTGCCCATGCTATGCAGCTACCTGCCCCGA-3'

ClinVar aggregate classification (germline): Pathogenic (1 of 4 stars; one submission).

Conditions:
RYR1-related disorder. Also called: RYR1-related condition; RYR1-related disorders. Identifiers: MedGen CN239331.

Submission:

Labcorp Genetics (formerly Invitae), Labcorp
Classification: Pathogenic for RYR1-related disorder. Last evaluated: 2024-02-18. Review status: criteria provided, single submitter. Criteria: Invitae Variant Classification Sherloc (09022015). Collection method: clinical testing. Allele origin: germline.
Comment: This sequence change creates a premature translational stop signal (p.Thr3264Argfs*46) in the RYR1 gene. It is expected to result in an absent or disrupted protein product. Loss-of-function variants in RYR1 are known to be pathogenic (PMID: 23919265, 25960145, 28818389, 30611313). This variant is not present in population databases (gnomAD no frequency). This variant has not been reported in the literature in individuals affected with RYR1-related conditions. For these reasons, this variant has been classified as Pathogenic.

Literature cited by the submitters: PubMed 23919265; PubMed 25960145; PubMed 28818389; PubMed 30611313.